The following is an entry in ClinVar:

NM_000138.5(FBN1):c.5656C>T (p.Gln1886Ter)

Gene: FBN1 (fibrillin 1; minus strand). Cytogenetic location: 15q21.1.
Variant type: single nucleotide variant.
Coding change: c.5656C>T on transcript NM_000138.5 (MANE Select); coding-DNA position 5656, C replaced by T.
Protein change: p.Gln1886Ter; replaces glutamine 1886 with a stop codon.
Molecular consequence: nonsense.
Genome position (GRCh38, 1-based): chr15:48,448,783, G>A on the plus strand (C>T on the coding strand, the complement: FBN1 is on the minus strand). VCF-style: chr15-48448783-G-A. GRCh37 (hg19) VCF-style: chr15-48740980-G-A.
Other names: c.5656C>T, p.Gln1886Ter (NM_001406716.1); short protein forms Q1886*.
Identifiers: ClinVar variation 2137686 (VCV002137686.4), dbSNP rs1038114901, ClinGen allele CA392341721.

ClinVar aggregate classification (germline): Pathogenic (1 of 4 stars; one submission).

Conditions:
Familial thoracic aortic aneurysm and aortic dissection (TAAD). Also called: Thoracic aortic aneurysms and dissections. Identifiers: Orphanet 91387, MedGen C4707243, MONDO:0019625.
Marfan syndrome (MFS). Also called: MARFAN SYNDROME, TYPE I; Marfan syndrome type 1; Marfan's syndrome; Marfan syndrome, classic; FBN1-Related Marfan Syndrome. Identifiers: Orphanet 284963, Orphanet 558, MedGen C0024796, MONDO:0007947, OMIM 154700.

Submission:

Labcorp Genetics (formerly Invitae), Labcorp
Classification: Pathogenic for Marfan syndrome; Familial thoracic aortic aneurysm and aortic dissection. Last evaluated: 2022-09-27. Review status: criteria provided, single submitter. Criteria: Invitae Variant Classification Sherloc (09022015). Collection method: clinical testing. Allele origin: germline.
Comment: For these reasons, this variant has been classified as Pathogenic. This premature translational stop signal has been observed in individual(s) with Marfan syndrome (PMID: 27906200). This variant is not present in population databases (gnomAD no frequency). This sequence change creates a premature translational stop signal (p.Gln1886*) in the FBN1 gene. It is expected to result in an absent or disrupted protein product. Loss-of-function variants in FBN1 are known to be pathogenic (PMID: 17657824, 19293843).

Literature cited by the submitters: PubMed 27906200; PubMed 17657824; PubMed 19293843.